The following is an entry in ClinVar:

NM_000287.4(PEX6):c.1629G>C (p.Glu543Asp)

Gene: PEX6 (peroxisomal biogenesis factor 6; minus strand). Cytogenetic location: 6p21.1.
Variant type: single nucleotide variant.
Coding change: c.1629G>C on transcript NM_000287.4 (MANE Select); coding-DNA position 1629, G replaced by C.
Protein change: p.Glu543Asp; replaces glutamic acid 543 with aspartic acid.
Molecular consequence: missense variant. On other transcripts: non-coding transcript variant (1).
Genome position (GRCh38, 1-based): chr6:42,968,349, C>G on the plus strand (G>C on the coding strand, the complement: PEX6 is on the minus strand). VCF-style: chr6-42968349-C-G. GRCh37 (hg19) VCF-style: chr6-42936087-C-G.
Other names: c.1365G>C, p.Glu455Asp (NM_001316313.2); short protein forms E455D, E543D.
Identifiers: ClinVar variation 1948589 (VCV001948589.2), dbSNP rs1349978110, ClinGen allele CA364154192.

ClinVar aggregate classification (germline): Uncertain significance (1 of 4 stars; one submission).

Conditions:
Peroxisome biogenesis disorder. Identifiers: Orphanet 79189, MedGen C1832200, MONDO:0019234. Disease mechanism: loss of function.

Allele frequency attached by ClinVar (database versions not stated): TOPMed below 0.00001; gnomAD 0.00001.
gnomAD v4.1: 1 of 1,614,040 alleles (0.000062%); highest among the groups gnomAD compares: African/African-American, 0.0013%; no homozygotes.

Submission:

Labcorp Genetics (formerly Invitae), Labcorp
Classification: Uncertain significance for Peroxisome biogenesis disorder. Last evaluated: 2022-08-16. Review status: criteria provided, single submitter. Criteria: Invitae Variant Classification Sherloc (09022015). Collection method: clinical testing. Allele origin: germline.
Comment: This sequence change replaces glutamic acid, which is acidic and polar, with aspartic acid, which is acidic and polar, at codon 543 of the PEX6 protein (p.Glu543Asp). This variant is present in population databases (no rsID available, gnomAD 0.01%). This variant has not been reported in the literature in individuals affected with PEX6-related conditions. Algorithms developed to predict the effect of missense changes on protein structure and function (SIFT, PolyPhen-2, Align-GVGD) all suggest that this variant is likely to be tolerated. In summary, the available evidence is currently insufficient to determine the role of this variant in disease. Therefore, it has been classified as a Variant of Uncertain Significance.